The following is an entry in ClinVar:

NM_001174089.2(SLC4A11):c.2389-1_2389delinsTT

Gene: SLC4A11 (solute carrier family 4 member 11; minus strand). Cytogenetic location: 20p13.
Variant type: Indel.
Coding change: c.2389-1_2389delinsTT on transcript NM_001174089.2 (MANE Select); the canonical splice acceptor site of the intron before coding-DNA position 2389 through coding-DNA position 2389, GA replaced by TT.
Molecular consequence: splice acceptor variant.
Genome position (GRCh38, 1-based): chr20:3,228,428-3,228,429, TC replaced by AA on the plus strand (GA replaced by TT on the coding strand, the reverse complement: SLC4A11 is on the minus strand). VCF-style: chr20-3228428-TC-AA. GRCh37 (hg19) VCF-style: chr20-3209074-TC-AA.
Other names: c.2332-1_2332delinsTT (NM_001400277.1, NM_001400278.1, NM_001400279.1); c.2275-1_2275delinsTT (NM_001363745.2); c.2404-1_2404delinsTT (NM_001400280.1); c.2518-1_2518delinsTT (NM_001174090.2); c.2437-1_2437delinsTT (NM_032034.4).
Identifiers: ClinVar variation 4816313 (VCV004816313.1).

ClinVar aggregate classification (germline): Likely pathogenic (1 of 4 stars; one submission).

Conditions:
Corneal dystrophy-perceptive deafness syndrome (CDPD). Also called: CORNEAL DYSTROPHY AND SENSORINEURAL DEAFNESS; HARBOYAN SYNDROME. Identifiers: Orphanet 1490, MedGen C1857572, MONDO:0009015, OMIM 217400.

Submission:

Natera, Inc.
Classification: Likely pathogenic for Corneal dystrophy-perceptive deafness syndrome. Last evaluated: 2025-09-13. Review status: criteria provided, single submitter. Criteria: Natera Variant Classification Schema (03/2026). Collection method: clinical testing. Allele origin: germline.
Comment: The c.2437-1_2437delinsTT variant in SLC4A11 is a canonical splice acceptor site variant predicted to affect pre-mRNA splicing, which may result in an abnormal transcript and altered protein product. This variant is expected to result in nonsense mediated decay, truncation, or a dysfunctional protein product. This variant is rare in the general population with a frequency below the threshold expected for the associated phenotype(s). Given the available evidence, this variant is classified as Likely Pathogenic.